The following is an entry in ClinVar:

NM_000059.4(BRCA2):c.4452C>A (p.Asp1484Glu)

Gene: BRCA2 (BRCA2 DNA repair associated; plus strand). Cytogenetic location: 13q13.1.
Variant type: single nucleotide variant.
Coding change: c.4452C>A on transcript NM_000059.4 (MANE Select); coding-DNA position 4452, C replaced by A.
Protein change: p.Asp1484Glu; replaces aspartic acid 1484 with glutamic acid.
Molecular consequence: missense variant.
Genome position (GRCh38, 1-based): chr13:32,338,807, C>A. VCF-style: chr13-32338807-C-A. GRCh37 (hg19) VCF-style: chr13-32912944-C-A.
Other names: short protein forms D1484E.
Identifiers: ClinVar variation 574225 (VCV000574225.12), dbSNP rs1566230343, ClinGen allele CA387781375.
Genomic context (GRCh38, chr13:32,338,807, plus strand): 5'-TGAATTACATTCTGACATAAGAAAGAACAAAATGGACATTCTAAGTTATGAGGAAACAGA[C>A]ATAGTTAAACACAAAATACTGAAAGAAAGTGTCCCAGTTGGTACTGGAAATCAACTAGTG-3'
Protein context (NP_000050.3, residues 1474-1494): KMDILSYEET[Asp1484Glu]IVKHKILKES

ClinVar aggregate classification (germline): Conflicting classifications of pathogenicity. Review status: criteria provided, conflicting classifications (1 of 4 stars). 2 submissions from 2 submitters: Uncertain significance (1); Likely benign (1). Last evaluated 2023-03-23.

Conditions:
Hereditary breast ovarian cancer syndrome. Also called: BRCA1- and BRCA2-Associated Hereditary Breast and Ovarian Cancer; Hereditary breast and ovarian cancer; Hereditary breast and/or ovarian cancer syndrome; Hereditary breast and ovarian cancer syndrome; Hereditary breast and ovarian cancer syndrome (HBOC); Breast and ovarian cancer. Identifiers: Orphanet 145, MedGen C0677776, MeSH D061325, MONDO:0003582. Disease mechanism: loss of function.
Hereditary cancer-predisposing syndrome. Also called: Neoplastic Syndromes, Hereditary; Hereditary Cancer Syndrome; Tumor predisposition; Hereditary neoplastic syndrome. Identifiers: Orphanet 140162, MedGen C0027672, MeSH D009386, MONDO:0015356.

Submissions (2):

University of Washington Department of Laboratory Medicine, University of Washington
Classification: Likely benign for Hereditary cancer-predisposing syndrome. Last evaluated: 2023-03-23. Review status: criteria provided, single submitter. Criteria: Dines et al. (Genet Med. 2020). Collection method: curation. Allele origin: germline.
Comment: Missense variant in a coldspot region where missense variants are very unlikely to be pathogenic (PMID:31911673).

BRCA2 exon 11 coldspot. Reclassification based on statistical prior probability.

Labcorp Genetics (formerly Invitae), Labcorp
Classification: Uncertain significance for Hereditary breast ovarian cancer syndrome. Last evaluated: 2019-09-18. Review status: criteria provided, single submitter. Criteria: Invitae Variant Classification Sherloc (09022015). Collection method: clinical testing. Allele origin: germline.
Comment: In summary, the available evidence is currently insufficient to determine the role of this variant in disease. Therefore, it has been classified as a Variant of Uncertain Significance. Algorithms developed to predict the effect of missense changes on protein structure and function output the following: SIFT: "Tolerated"; PolyPhen-2: "Benign"; Align-GVGD: "Class C0". The glutamic acid amino acid residue is found in multiple mammalian species, suggesting that this missense change does not adversely affect protein function. These predictions have not been confirmed by published functional studies and their clinical significance is uncertain. This variant has not been reported in the literature in individuals with BRCA2-related disease. This variant is not present in population databases (ExAC no frequency). This sequence change replaces aspartic acid with glutamic acid at codon 1484 of the BRCA2 protein (p.Asp1484Glu). The aspartic acid residue is weakly conserved and there is a small physicochemical difference between aspartic acid and glutamic acid.